The following is an entry in ClinVar:

NM_001845.6(COL4A1):c.3850G>A (p.Gly1284Arg)

Gene: COL4A1 (collagen type IV alpha 1 chain; minus strand). Cytogenetic location: 13q34.
Variant type: single nucleotide variant.
Coding change: c.3850G>A on transcript NM_001845.6 (MANE Select); coding-DNA position 3850, G replaced by A.
Protein change: p.Gly1284Arg; replaces glycine 1284 with arginine.
Molecular consequence: missense variant.
Genome position (GRCh38, 1-based): chr13:110,169,655, C>T on the plus strand (G>A on the coding strand, the complement: COL4A1 is on the minus strand). VCF-style: chr13-110169655-C-T. GRCh37 (hg19) VCF-style: chr13-110822002-C-T.
Other names: short protein forms G1284R.
Identifiers: ClinVar variation 1324115 (VCV001324115.5), dbSNP rs2139154447, ClinGen allele CA388661736.

ClinVar aggregate classification (germline): Likely pathogenic. Review status: criteria provided, multiple submitters, no conflicts (2 of 4 stars). 2 submissions from 2 submitters: Likely pathogenic (2). Last evaluated 2025-05-07.

Conditions:
COL4A1-related disorder. Also called: COL4A1-related condition; COL4A1-related disorders. Identifiers: MedGen CN376119, MONDO:0800461.

Submissions (2):

Greenwood Genetic Center Diagnostic Laboratories, Greenwood Genetic Center
Classification: Likely pathogenic for COL4A1-related disorder. Last evaluated: 2025-05-07. Review status: criteria provided, single submitter. Criteria: ACMG Guidelines, 2015. Collection method: clinical testing. Allele origin: germline. Affected: yes.
Comment: PP3_Strong, PM1, PM2, PP2

Revvity Omics, Revvity
Classification: Likely pathogenic. Last evaluated: 2020-12-09. Review status: criteria provided, single submitter. Criteria: ACMG Guidelines, 2015. Collection method: clinical testing. Allele origin: germline.